The following is an entry in ClinVar:

ClinVar aggregate classification (germline): Uncertain significance (1 of 4 stars; one submission).

Allele frequency attached by ClinVar (database versions not stated): TOPMed 0.00001; gnomAD 0.00001.
gnomAD v4.1: 18 of 1,614,042 alleles (0.0011%); highest among the groups gnomAD compares: East Asian, 0.029%; no homozygotes.

Submission:

Labcorp Genetics (formerly Invitae), Labcorp
Classification: Uncertain significance. Last evaluated: 2025-12-15. Review status: criteria provided, single submitter. Criteria: Invitae Variant Classification Sherloc (09022015). Collection method: clinical testing. Allele origin: germline.
Comment: This sequence change replaces valine, which is neutral and non-polar, with glycine, which is neutral and non-polar, at codon 5175 of the HMCN1 protein (p.Val5175Gly). This variant is present in population databases (no rsID available, gnomAD 0.03%). This variant has not been reported in the literature in individuals affected with HMCN1-related conditions. ClinVar contains an entry for this variant (Variation ID: 2994652). An algorithm developed to predict the effect of missense changes on protein structure and function (PolyPhen-2) suggests that this variant is likely to be disruptive. In summary, the available evidence is currently insufficient to determine the role of this variant in disease. Therefore, it has been classified as a Variant of Uncertain Significance.

NM_031935.3(HMCN1):c.15524T>G (p.Val5175Gly)

Gene: HMCN1 (hemicentin 1; plus strand). Cytogenetic location: 1q31.1.
Variant type: single nucleotide variant.
Coding change: c.15524T>G on transcript NM_031935.3 (MANE Select); coding-DNA position 15524, T replaced by G.
Protein change: p.Val5175Gly; replaces valine 5175 with glycine.
Molecular consequence: missense variant.
Genome position (GRCh38, 1-based): chr1:186,166,892, T>G. VCF-style: chr1-186166892-T-G. GRCh37 (hg19) VCF-style: chr1-186136024-T-G.
Other names: short protein forms V5175G.
Identifiers: ClinVar variation 2994652 (VCV002994652.3), dbSNP rs1291769209, ClinGen allele CA343930444.